The following is an entry in ClinVar:

NM_000051.4(ATM):c.5774G>T (p.Gly1925Val)

Genes: ATM (ATM serine/threonine kinase; plus strand), C11orf65 (chromosome 11 open reading frame 65; minus strand). Cytogenetic location: 11q22.3.
Variant type: single nucleotide variant.
Coding change: c.5774G>T on transcript NM_000051.4 (MANE Select); coding-DNA position 5774, G replaced by T.
Protein change: p.Gly1925Val; replaces glycine 1925 with valine.
Molecular consequence: missense variant. On other transcripts: intron variant (2).
Genome position (GRCh38, 1-based): chr11:108,310,171, G>T. VCF-style: chr11-108310171-G-T. GRCh37 (hg19) VCF-style: chr11-108180898-G-T.
Other names: c.641-1100C>A (NM_001330368.2); c.*39-1100C>A (NM_001351110.2); c.5774G>T, p.Gly1925Val (NM_001351834.2); short protein forms G1925V.
Identifiers: ClinVar variation 825959 (VCV000825959.6), dbSNP rs755055090, ClinGen allele CA382548296.

ClinVar aggregate classification (germline): Uncertain significance (1 of 4 stars; one submission).

Conditions:
Hereditary cancer-predisposing syndrome. Also called: Tumor predisposition; Neoplastic Syndromes, Hereditary; Hereditary Cancer Syndrome; Hereditary neoplastic syndrome. Identifiers: Orphanet 140162, MedGen C0027672, MeSH D009386, MONDO:0015356.

Submission:

Ambry Genetics
Classification: Uncertain significance for Hereditary cancer-predisposing syndrome. Last evaluated: 2019-12-24. Review status: criteria provided, single submitter. Criteria: Ambry Variant Classification Scheme 2023. Collection method: clinical testing. Allele origin: germline.
Comment: The p.G1925V variant (also known as c.5774G>T), located in coding exon 38 of the ATM gene, results from a G to T substitution at nucleotide position 5774. The glycine at codon 1925 is replaced by valine, an amino acid with dissimilar properties. This amino acid position is well conserved in available vertebrate species. In addition, the in silico prediction for this alteration is inconclusive. Since supporting evidence is limited at this time, the clinical significance of this alteration remains unclear.